The following is an entry in ClinVar:

ClinVar aggregate classification (germline): Conflicting classifications of pathogenicity. Review status: criteria provided, conflicting classifications (1 of 4 stars). 5 submissions from 5 submitters: Uncertain significance (2); Likely benign (1). 2 of the submissions do not count toward it. Last evaluated 2025-10-27.

Allele frequency attached by ClinVar (database versions not stated): gnomAD 0.00001 and 0.00013; TOPMed 0.00005; gnomAD exomes 0.00032; 1000 Genomes Project 0.00040; 1000 Genomes Project 30x 0.00047; ExAC 0.00067.
gnomAD v4.1: 263 of 1,606,920 alleles (0.016%); highest among the groups gnomAD compares: South Asian, 0.26%; no homozygotes.

Submissions (5):

Labcorp Genetics (formerly Invitae), Labcorp
Classification: Likely benign. Last evaluated: 2025-10-27. Review status: criteria provided, single submitter. Criteria: Invitae Variant Classification Sherloc (09022015). Collection method: clinical testing. Allele origin: germline.

GeneDx
Classification: Uncertain significance. Last evaluated: 2025-04-11. Review status: criteria provided, single submitter. Criteria: GeneDx Variant Classification Process June 2021. Collection method: clinical testing. Allele origin: germline. Affected: yes.
Comment: In silico analysis supports that this missense variant does not alter protein structure/function; Has not been previously published as pathogenic or benign to our knowledge

Genetic Services Laboratory, University of Chicago
Classification: Uncertain significance. Last evaluated: 2015-06-05. Review status: criteria provided, single submitter. Criteria: ACMG Guidelines, 2015. Collection method: clinical testing. Allele origin: germline.

Clinical Genetics DNA and cytogenetics Diagnostics Lab, Erasmus MC, Erasmus Medical Center
Classification: Uncertain significance. Review status: no assertion criteria provided. Collection method: clinical testing. Allele origin: germline. Affected: yes. Study: VKGL Data-share Consensus. Not counted in ClinVar's aggregate classification.

Laboratory of Diagnostic Genome Analysis, Leiden University Medical Center (LUMC)
Classification: Uncertain significance. Review status: no assertion criteria provided. Collection method: clinical testing. Allele origin: germline. Affected: yes. Study: VKGL Data-share Consensus. Not counted in ClinVar's aggregate classification.

NM_001160372.4(TRAPPC9):c.3148C>T (p.Arg1050Trp)

Gene: TRAPPC9 (trafficking protein particle complex subunit 9; minus strand). Cytogenetic location: 8q24.3.
Variant type: single nucleotide variant.
Coding change: c.3148C>T on transcript NM_001160372.4 (MANE Select); coding-DNA position 3148, C replaced by T.
Protein change: p.Arg1050Trp; replaces arginine 1050 with tryptophan.
Molecular consequence: missense variant. On other transcripts: non-coding transcript variant (1).
Genome position (GRCh38, 1-based): chr8:139,732,110, G>A on the plus strand (C>T on the coding strand, the complement: TRAPPC9 is on the minus strand). VCF-style: chr8-139732110-G-A. GRCh37 (hg19) VCF-style: chr8-140744353-G-A.
Other names: c.3121C>T, p.Arg1041Trp (NM_001321646.2); c.3169C>T, p.Arg1057Trp (NM_001374682.1); c.3037C>T, p.Arg1013Trp (NM_001374683.1); c.3004C>T, p.Arg1002Trp (NM_001374684.1); c.3148C>T, p.Arg1050Trp (NM_031466.8); short protein forms R1050W, R1041W, R1002W, R1013W, R1057W.
Identifiers: ClinVar variation 212431 (VCV000212431.16), dbSNP rs563050274, ClinGen allele CA206649.